The following is an entry in ClinVar:

ClinVar aggregate classification (germline): Uncertain significance (1 of 4 stars; one submission).

Conditions:
Hereditary cancer-predisposing syndrome. Also called: Neoplastic Syndromes, Hereditary; Tumor predisposition; Hereditary neoplastic syndrome; Hereditary Cancer Syndrome. Identifiers: Orphanet 140162, MedGen C0027672, MeSH D009386, MONDO:0015356.

Submission:

Ambry Genetics
Classification: Uncertain significance for Hereditary cancer-predisposing syndrome. Last evaluated: 2026-07-06. Review status: criteria provided, single submitter. Criteria: Ambry Variant Classification Scheme 2023. Collection method: clinical testing. Allele origin: germline.
Comment: The p.D22N variant (also known as c.64G>A), located in coding exon 1 of the PHOX2B gene, results from a G to A substitution at nucleotide position 64. The aspartic acid at codon 22 is replaced by asparagine, an amino acid with highly similar properties. This amino acid position is conserved. In addition, this alteration is predicted to be tolerated by in silico analysis. Based on the available evidence, the clinical significance of this variant remains unclear.

NM_003924.4(PHOX2B):c.64G>A (p.Asp22Asn)

Genes: PHOX2B (paired like homeobox 2B; minus strand), PHOX2B-AS1 (PHOX2B antisense RNA 1; plus strand). Cytogenetic location: 4p13.
Variant type: single nucleotide variant.
Coding change: c.64G>A on transcript NM_003924.4 (MANE Select); coding-DNA position 64, G replaced by A.
Protein change: p.Asp22Asn; replaces aspartic acid 22 with asparagine.
Molecular consequence: missense variant. On other transcripts: non-coding transcript variant (1).
Genome position (GRCh38, 1-based): chr4:41,748,547, C>T on the plus strand (G>A on the coding strand, the complement: PHOX2B is on the minus strand). VCF-style: chr4-41748547-C-T. GRCh37 (hg19) VCF-style: chr4-41750564-C-T.
Other names: short protein forms D22N.
Identifiers: ClinVar variation 5026564 (VCV005026564.1).